The following is an entry in ClinVar:

ClinVar aggregate classification (germline): Uncertain significance (1 of 4 stars; one submission).

Submission:

Ambry Genetics
Classification: Uncertain significance. Last evaluated: 2025-04-25. Review status: criteria provided, single submitter. Criteria: Ambry Variant Classification Scheme 2023. Collection method: clinical testing. Allele origin: germline.
Comment: The p.P1061L variant (also known as c.3182C>T), located in coding exon 1 of the TET2 gene, results from a C to T substitution at nucleotide position 3182. The proline at codon 1061 is replaced by leucine, an amino acid with similar properties. This amino acid position is conserved. In addition, this alteration is predicted to be tolerated by in silico analysis. Based on the available evidence, the clinical significance of this variant remains unclear.

NM_001127208.3(TET2):c.3182C>T (p.Pro1061Leu)

Genes: TET2 (tet methylcytosine dioxygenase 2; plus strand), TET2-AS1 (TET2 antisense RNA 1; minus strand). Cytogenetic location: 4q24.
Variant type: single nucleotide variant.
Coding change: c.3182C>T on transcript NM_001127208.3 (MANE Select); coding-DNA position 3182, C replaced by T.
Protein change: p.Pro1061Leu; replaces proline 1061 with leucine.
Molecular consequence: missense variant.
Genome position (GRCh38, 1-based): chr4:105,237,124, C>T. VCF-style: chr4-105237124-C-T. GRCh37 (hg19) VCF-style: chr4-106158281-C-T.
Other names: c.3182C>T, p.Pro1061Leu (NM_017628.4); short protein forms P1061L.
Identifiers: ClinVar variation 3967585 (VCV003967585.1).